The following is an entry in ClinVar:

NM_000158.4(GBE1):c.1601G>T (p.Gly534Val)

Gene: GBE1 (1,4-alpha-glucan branching enzyme 1; minus strand). Cytogenetic location: 3p12.2.
Variant type: single nucleotide variant.
Coding change: c.1601G>T on transcript NM_000158.4 (MANE Select); coding-DNA position 1601, G replaced by T.
Protein change: p.Gly534Val; replaces glycine 534 with valine.
Molecular consequence: missense variant.
Genome position (GRCh38, 1-based): chr3:81,577,942, C>A on the plus strand (G>T on the coding strand, the complement: GBE1 is on the minus strand). VCF-style: chr3-81577942-C-A. GRCh37 (hg19) VCF-style: chr3-81627093-C-A.
Other names: short protein forms G534V.
Identifiers: ClinVar variation 1338988 (VCV001338988.2), dbSNP rs2106933621, ClinGen allele CA353684592.

ClinVar aggregate classification (germline): Uncertain significance (1 of 4 stars; one submission).

Conditions:
Glycogen storage disease, type IV (GSD4). Also called: AMYLOPECTINOSIS; ANDERSEN DISEASE; BRANCHER DEFICIENCY; Glycogen storage disease due to glycogen branching enzyme deficiency; CIRRHOSIS, FAMILIAL, WITH DEPOSITION OF ABNORMAL GLYCOGEN; GBE1 DEFICIENCY. Identifiers: Orphanet 367, MedGen C0017923, MONDO:0009292, OMIM 232500.

Submission:

Neuberg Centre For Genomic Medicine, NCGM
Classification: Uncertain significance for Glycogen storage disease, type IV. Review status: criteria provided, single submitter. Criteria: ACMG Guidelines, 2015. Collection method: clinical testing. Allele origin: germline. Affected: yes.
Comment: The missense variant p.G534V in GBE1 (NM_000158.4) has been previously reported in compound heterozygous form in a patient with adult polyglucosan disease (Sagnelli A et al,2014). Functional studies were nor performed and the patient had initially been diagnosed as Fabry disease. The p.G534V variant is novel (not in any individuals) in gnomAD Exomes and is novel (not in any individuals) in 1000 Genomes. The p.G534V missense variant is predicted to be damaging by both SIFT and PolyPhen2. The glycine residue at codon 534 of GBE1 is conserved in all mammalian species. The nucleotide c.1601 in GBE1 is predicted conserved by GERP++ and PhyloP across 100 vertebrates. For these reasons, this variant has been classified as Uncertain Significance.